The following is an entry in ClinVar:

ClinVar aggregate classification (germline): Uncertain significance (1 of 4 stars; one submission).

Conditions:
Primary dilated cardiomyopathy (DCM). Also called: Dilated Cardiomyopathy. Identifiers: Orphanet 217604, MedGen C0007193, MeSH D002311, MONDO:0005021, HP:0001644. Inheritance: Various modes of inheritance.

Submission:

All of Us Research Program, National Institutes of Health
Classification: Uncertain significance for Primary dilated cardiomyopathy. Last evaluated: 2023-07-10. Review status: criteria provided, single submitter. Criteria: ACMG Guidelines, 2015. Collection method: clinical testing. Allele origin: germline. Inheritance: Autosomal dominant inheritance. Observed: 1 variant allele, 1 heterozygote.
Comment: This missense variant replaces asparagine with lysine at codon 473 of the LMNA protein. Computational prediction is inconclusive regarding the impact of this variant on protein structure and function (internally defined REVEL score threshold 0.5 < inconclusive < 0.7, PMID: 27666373). To our knowledge, functional studies have not been reported for this variant. This variant has not been reported in individuals affected with LMNA-related disorders in the literature. This variant has not been identified in the general population by the Genome Aggregation Database (gnomAD). The available evidence is insufficient to determine the role of this variant in disease conclusively. Therefore, this variant is classified as a Variant of Uncertain Significance.

This study involves interpretation of variants in research participants for the purpose of population health screening. Participant phenotype was not available at the time of variant classification. Additional details can be found in publication PMID: 35346344, PMCID: PMC8962531

NM_170707.4(LMNA):c.1419T>A (p.Asn473Lys)

Gene: LMNA (lamin A/C; plus strand). Cytogenetic location: 1q22.
Variant type: single nucleotide variant.
Coding change: c.1419T>A on transcript NM_170707.4 (MANE Select); coding-DNA position 1419, T replaced by A.
Protein change: p.Asn473Lys; replaces asparagine 473 with lysine.
Molecular consequence: missense variant.
Genome position (GRCh38, 1-based): chr1:156,136,959, T>A. VCF-style: chr1-156136959-T-A. GRCh37 (hg19) VCF-style: chr1-156106750-T-A.
Other names: c.1083T>A, p.Asn361Lys (NM_001257374.3, NM_001406989.1, NM_001406998.1); c.1176T>A, p.Asn392Lys (NM_001282624.2, NM_001406986.1, NM_001406987.1); c.1419T>A, p.Asn473Lys (NM_001282625.2, NM_001282626.2, NM_001406983.1 and 6 more transcripts); c.1122T>A, p.Asn374Lys (NM_001406988.1); c.861T>A, p.Asn287Lys (NM_001406990.1, NM_001406993.1, NM_001406995.1 and 4 more transcripts); c.795T>A, p.Asn265Lys (NM_001406994.1, NM_001406999.1, NM_001407000.1 and 1 more transcripts); short protein forms N265K, N287K, N361K, N374K, N392K, N473K.
Identifiers: ClinVar variation 3072386 (VCV003072386.1), dbSNP rs2528007591, ClinGen allele CA342822560.